The following is an entry in ClinVar:

NM_001440.4(EXTL3):c.1006C>T (p.Pro336Ser)

Gene: EXTL3 (exostosin like glycosyltransferase 3; plus strand). Cytogenetic location: 8p21.1.
Variant type: single nucleotide variant.
Coding change: c.1006C>T on transcript NM_001440.4 (MANE Select); coding-DNA position 1006, C replaced by T.
Protein change: p.Pro336Ser; replaces proline 336 with serine.
Molecular consequence: missense variant.
Genome position (GRCh38, 1-based): chr8:28,717,065, C>T. VCF-style: chr8-28717065-C-T. GRCh37 (hg19) VCF-style: chr8-28574582-C-T.
Other names: short protein forms P336S.
Identifiers: ClinVar variation 1026619 (VCV001026619.4), dbSNP rs766289557, ClinGen allele CA4696113.

ClinVar aggregate classification (germline): Uncertain significance (1 of 4 stars; one submission).

Allele frequency attached by ClinVar (database versions not stated): gnomAD exomes 0.00001.

Submission:

Labcorp Genetics (formerly Invitae), Labcorp
Classification: Uncertain significance. Last evaluated: 2025-03-03. Review status: criteria provided, single submitter. Criteria: Invitae Variant Classification Sherloc (09022015). Collection method: clinical testing. Allele origin: germline.
Comment: This sequence change replaces proline, which is neutral and non-polar, with serine, which is neutral and polar, at codon 336 of the EXTL3 protein (p.Pro336Ser). The frequency data for this variant in the population databases is considered unreliable, as metrics indicate poor data quality at this position in the gnomAD database. This variant has not been reported in the literature in individuals affected with EXTL3-related conditions. ClinVar contains an entry for this variant (Variation ID: 1026619). Invitae Evidence Modeling of protein sequence and biophysical properties (such as structural, functional, and spatial information, amino acid conservation, physicochemical variation, residue mobility, and thermodynamic stability) indicates that this missense variant is not expected to disrupt EXTL3 protein function with a negative predictive value of 80%. In summary, the available evidence is currently insufficient to determine the role of this variant in disease. Therefore, it has been classified as a Variant of Uncertain Significance.